The following is an entry in ClinVar:

NM_004360.5(CDH1):c.1137+9A>C

Gene: CDH1 (cadherin 1; plus strand). Cytogenetic location: 16q22.1.
Variant type: single nucleotide variant.
Coding change: c.1137+9A>C on transcript NM_004360.5 (MANE Select); 9 bases into the intron after coding-DNA position 1137, A replaced by C.
Molecular consequence: intron variant.
Genome position (GRCh38, 1-based): chr16:68,812,272, A>C. VCF-style: chr16-68812272-A-C. GRCh37 (hg19) VCF-style: chr16-68846175-A-C.
Other names: c.-479+9A>C (NM_001317185.2); c.-683+9A>C (NM_001317186.2); c.1137+9A>C (NM_001317184.2, LRG_301t1).
Identifiers: ClinVar variation 385199 (VCV000385199.13), dbSNP rs780705655, ClinGen allele CA16607363.

ClinVar aggregate classification (germline): Likely benign. Review status: criteria provided, multiple submitters, no conflicts (2 of 4 stars). 4 submissions from 4 submitters: Likely benign (4). Last evaluated 2025-10-21.

Conditions:
Hereditary cancer-predisposing syndrome. Also called: Neoplastic Syndromes, Hereditary; Hereditary neoplastic syndrome; Tumor predisposition; Hereditary Cancer Syndrome. Identifiers: Orphanet 140162, MedGen C0027672, MeSH D009386, MONDO:0015356.
Hereditary diffuse gastric adenocarcinoma (HDGC). Also called: DIFFUSE GASTRIC AND LOBULAR BREAST CANCER SYNDROME. Identifiers: Orphanet 26106, MedGen C1708349, MONDO:0007648, OMIM 137215.

Allele frequency attached by ClinVar (database versions not stated): TOPMed below 0.00001.
gnomAD v4.1: 2 of 1,613,836 alleles (0.00012%); highest among the groups gnomAD compares: Non-Finnish European, 0.00017%; no homozygotes.

Submissions (4):

Labcorp Genetics (formerly Invitae), Labcorp
Classification: Likely benign for Hereditary diffuse gastric adenocarcinoma. Last evaluated: 2025-10-21. Review status: criteria provided, single submitter. Criteria: Invitae Variant Classification Sherloc (09022015). Collection method: clinical testing. Allele origin: germline.

Myriad Genetics, Inc.
Classification: Likely benign for Hereditary diffuse gastric adenocarcinoma. Last evaluated: 2024-09-18. Review status: criteria provided, single submitter. Criteria: Myriad Autosomal Dominant, Autosomal Recessive and X-Linked Classification Criteria (2023). Collection method: clinical testing. Allele origin: unknown.
Comment: This variant is considered likely benign. This variant is intronic and is not expected to impact mRNA splicing.

Color Diagnostics, LLC DBA Color Health
Classification: Likely benign for Hereditary cancer-predisposing syndrome. Last evaluated: 2018-02-07. Review status: criteria provided, single submitter. Criteria: ACMG Guidelines, 2015. Collection method: clinical testing. Allele origin: germline.

GeneDx
Classification: Likely benign. Last evaluated: 2016-03-31. Review status: criteria provided, single submitter. Criteria: GeneDx Variant Classification (06012015). Collection method: clinical testing. Allele origin: germline. Affected: yes.
Comment: This variant is considered likely benign or benign based on one or more of the following criteria: it is a conservative change, it occurs at a poorly conserved position in the protein, it is predicted to be benign by multiple in silico algorithms, and/or has population frequency not consistent with disease.